The following is an entry in ClinVar:

ClinVar aggregate classification (germline): Uncertain significance (1 of 4 stars; one submission).

Conditions:
Inborn genetic diseases. Identifiers: MedGen C0950123, MeSH D030342.

Allele frequency attached by ClinVar (database versions not stated): gnomAD exomes 0.00001.
gnomAD v4.1: 6 of 1,614,152 alleles (0.00037%); highest among the groups gnomAD compares: Non-Finnish European, 0.00051%; no homozygotes.

Submission:

Ambry Genetics
Classification: Uncertain significance for Inborn genetic diseases. Last evaluated: 2021-01-27. Review status: criteria provided, single submitter. Criteria: Ambry Variant Classification Scheme 2023. Collection method: clinical testing. Allele origin: germline.
Comment: The c.12037T>C (p.Y4013H) alteration is located in exon 11 (coding exon 11) of the FAT4 gene. This alteration results from a T to C substitution at nucleotide position 12037, causing the tyrosine (Y) at amino acid position 4013 to be replaced by a histidine (H). The in silico prediction for the p.Y4013H alteration is inconclusive. Based on insufficient or conflicting evidence, the clinical significance of this alteration remains unclear.

NM_001291303.3(FAT4):c.12043T>C (p.Tyr4015His)

Gene: FAT4 (FAT atypical cadherin 4; plus strand). Cytogenetic location: 4q28.1.
Variant type: single nucleotide variant.
Coding change: c.12043T>C on transcript NM_001291303.3 (MANE Select); coding-DNA position 12043, T replaced by C.
Protein change: p.Tyr4015His; replaces tyrosine 4015 with histidine.
Molecular consequence: missense variant.
Genome position (GRCh38, 1-based): chr4:125,468,649, T>C. VCF-style: chr4-125468649-T-C. GRCh37 (hg19) VCF-style: chr4-126389804-T-C.
Other names: c.12043T>C, p.Tyr4015His (NM_001291285.3); c.12037T>C, p.Tyr4013His (NM_024582.6); short protein forms Y4013H, Y4015H.
Identifiers: ClinVar variation 2229099 (VCV002229099.2), dbSNP rs2126076218, ClinGen allele CA358128115.